The following is an entry in ClinVar:

NM_000051.4(ATM):c.5931del (p.Phe1977fs)

Genes: C11orf65 (chromosome 11 open reading frame 65; minus strand), ATM (ATM serine/threonine kinase; plus strand). Cytogenetic location: 11q22.3.
Variant type: Deletion.
Coding change: c.5931del on transcript NM_000051.4 (MANE Select); coding-DNA position 5931, one base deleted (T; older notation c.5931delT).
Protein change: p.Phe1977fs; shifts the reading frame from phenylalanine 1977.
Molecular consequence: frameshift variant. On other transcripts: intron variant (2).
Genome position (GRCh38, 1-based): chr11:108,312,423, T deleted; the last of 3 consecutive T bases (chr11:108,312,421-108,312,423); deleting any one gives the same sequence. VCF-style (leftmost placement, unchanged base first): chr11-108312420-AT-A. GRCh37 (hg19) VCF-style: chr11-108183147-AT-A.
Other names: c.5931delT, p.Phe1977Leufs (NM_000051.3); c.5931del, p.Phe1977fs (NM_001351834.2); c.641-3350del (NM_001330368.2); c.*39-3350del (NM_001351110.2); short protein forms F1977fs.
Identifiers: ClinVar variation 583331 (VCV000583331.54), dbSNP rs1565493368, ClinGen allele CA891842646.

ClinVar aggregate classification (germline): Pathogenic. Review status: criteria provided, multiple submitters, no conflicts (2 of 4 stars). 6 submissions from 6 submitters: Pathogenic (6). Last evaluated 2026-06-15.

Conditions:
Hereditary cancer-predisposing syndrome. Also called: Hereditary Cancer Syndrome; Neoplastic Syndromes, Hereditary; Tumor predisposition; Hereditary neoplastic syndrome. Identifiers: Orphanet 140162, MedGen C0027672, MeSH D009386, MONDO:0015356.
Familial cancer of breast. Also called: BREAST CANCER, FAMILIAL; Hereditary breast cancer; hereditary breast carcinoma. Identifiers: Orphanet 227535, MedGen C0346153, MONDO:0016419, OMIM 114480. Disease mechanism: loss of function.
Ataxia-telangiectasia syndrome (AT). Also called: Cerebello-oculocutaneous telangiectasia; Immunodeficiency with ataxia telangiectasia; Ataxia-telangiectasia, complementation group E; Ataxia-telangiectasia, complementation group D; AT, COMPLEMENTATION GROUP C; ATAXIA-TELANGIECTASIA, COMPLEMENTATION GROUP A. Identifiers: Orphanet 100, MedGen C0004135, MONDO:0008840, OMIM 208900.

Submissions (6):

Ambry Genetics
Classification: Pathogenic for Hereditary cancer-predisposing syndrome. Last evaluated: 2026-06-15. Review status: criteria provided, single submitter. Criteria: Ambry Variant Classification Scheme 2023. Collection method: clinical testing. Allele origin: germline.
Comment: The c.5931delT pathogenic mutation, located in coding exon 39 of the ATM gene, results from a deletion of one nucleotide at nucleotide position 5931, causing a translational frameshift with a predicted alternate stop codon (p.F1977Lfs*13). This variant is considered to be rare based on population cohorts in the Genome Aggregation Database (gnomAD). This alteration is expected to result in loss of function by premature protein truncation or nonsense-mediated mRNA decay. As such, this alteration is interpreted as a disease-causing mutation.

Labcorp Genetics (formerly Invitae), Labcorp
Classification: Pathogenic for Ataxia-telangiectasia syndrome. Last evaluated: 2025-12-15. Review status: criteria provided, single submitter. Criteria: Invitae Variant Classification Sherloc (09022015). Collection method: clinical testing. Allele origin: germline.
Comment: This sequence change creates a premature translational stop signal (p.Phe1977Leufs*13) in the ATM gene. It is expected to result in an absent or disrupted protein product. Loss-of-function variants in ATM are known to be pathogenic (PMID: 23807571, 25614872). This variant is not present in population databases (gnomAD no frequency). This variant has not been reported in the literature in individuals affected with ATM-related conditions. ClinVar contains an entry for this variant (Variation ID: 583331). For these reasons, this variant has been classified as Pathogenic.

Color Diagnostics, LLC DBA Color Health
Classification: Pathogenic for Hereditary cancer-predisposing syndrome. Last evaluated: 2025-04-28. Review status: criteria provided, single submitter. Criteria: ACMG Guidelines, 2015. Collection method: clinical testing. Allele origin: germline.
Comment: This variant deletes 1 nucleotide in exon 40 of the ATM gene, creating a frameshift and premature translation stop signal. This variant is expected to result in an absent or non-functional protein product. To our knowledge, functional studies have not been performed for this variant. This variant has been observed in an individual affected with breast and pancreatic cancer and sarcoma with family history breast, pancreatic, skin and esophageal cancer (PMID: 29961768). This variant has not been identified in the general population by the Genome Aggregation Database (gnomAD). Loss of ATM function is a known mechanism of disease. Based on the available evidence, this variant is classified as Pathogenic.

Myriad Genetics, Inc.
Classification: Pathogenic for Familial cancer of breast. Last evaluated: 2024-01-26. Review status: criteria provided, single submitter. Criteria: Myriad Autosomal Dominant, Autosomal Recessive and X-Linked Classification Criteria (2023). Collection method: clinical testing. Allele origin: unknown.
Comment: This variant is considered pathogenic. This variant creates a frameshift predicted to result in premature protein truncation.

GeneDx
Classification: Pathogenic. Last evaluated: 2023-01-19. Review status: criteria provided, single submitter. Criteria: GeneDx Variant Classification Process June 2021. Collection method: clinical testing. Allele origin: germline. Affected: yes.
Comment: Frameshift variant predicted to result in protein truncation or nonsense mediated decay in a gene for which loss of function is a known mechanism of disease; Not observed at significant frequency in large population cohorts (gnomAD); Truncating variants in this gene are considered pathogenic by a well-established clinical consortium and/or database; This variant is associated with the following publications: (PMID: 29961768)

CeGaT Center for Human Genetics Tuebingen
Classification: Pathogenic. Last evaluated: 2019-04-01. Review status: criteria provided, single submitter. Criteria: CeGaT Center For Human Genetics Tuebingen Variant Classification Criteria Version 2. Collection method: clinical testing. Allele origin: germline. Affected: yes. Observed: 1 variant allele.

Literature cited by the submitters: PubMed 23807571 (cited by Labcorp Genetics (formerly Invitae), Labcorp); PubMed 25614872 (cited by Labcorp Genetics (formerly Invitae), Labcorp); PubMed 29961768 (cited by Color Diagnostics, LLC DBA Color Health).